The following is an entry in ClinVar:

ClinVar aggregate classification (germline): Uncertain significance. Review status: criteria provided, multiple submitters, no conflicts (2 of 4 stars). 2 submissions from 2 submitters: Uncertain significance (2). Last evaluated 2021-08-27.

Conditions:
Mucopolysaccharidosis type 1. Also called: IDUA deficiency; MPS I. Identifiers: Orphanet 579, MedGen C0023786, MONDO:0001586.

Allele frequency attached by ClinVar (database versions not stated): ExAC below 0.00001; 1000 Genomes Project 30x 0.00031; 1000 Genomes Project 0.00020; gnomAD exomes 0.00006 and below 0.00001; gnomAD 0.00001 and 0.00002; TOPMed 0.00001.
gnomAD v4.1: 88 of 1,592,154 alleles (0.0055%); highest among the groups gnomAD compares: Non-Finnish European, 0.0073%; no homozygotes.

Submissions (2):

Labcorp Genetics (formerly Invitae), Labcorp
Classification: Uncertain significance for Mucopolysaccharidosis type 1. Last evaluated: 2021-08-27. Review status: criteria provided, single submitter. Criteria: Invitae Variant Classification Sherloc (09022015). Collection method: clinical testing. Allele origin: germline.
Comment: This sequence change replaces isoleucine with leucine at codon 272 of the IDUA protein (p.Ile272Leu). The isoleucine residue is highly conserved and there is a small physicochemical difference between isoleucine and leucine. The frequency data for this variant in the population databases is considered unreliable, as metrics indicate poor data quality at this position in the ExAC database. This variant has not been reported in the literature in individuals affected with IDUA-related conditions. ClinVar contains an entry for this variant (Variation ID: 350226). Advanced modeling of protein sequence and biophysical properties (such as structural, functional, and spatial information, amino acid conservation, physicochemical variation, residue mobility, and thermodynamic stability) performed at Invitae indicates that this missense variant is expected to disrupt IDUA protein function. In summary, the available evidence is currently insufficient to determine the role of this variant in disease. Therefore, it has been classified as a Variant of Uncertain Significance.

Illumina Laboratory Services, Illumina
Classification: Uncertain significance for Mucopolysaccharidosis type 1. Last evaluated: 2018-01-12. Review status: criteria provided, single submitter. Criteria: ICSL Variant Classification Criteria 13 December 2019. Collection method: clinical testing. Allele origin: germline.

NM_000203.5(IDUA):c.814A>C (p.Ile272Leu)

Gene: IDUA (alpha-L-iduronidase; plus strand). Cytogenetic location: 4p16.3.
Variant type: single nucleotide variant.
Coding change: c.814A>C on transcript NM_000203.5 (MANE Select); coding-DNA position 814, A replaced by C.
Protein change: p.Ile272Leu; replaces isoleucine 272 with leucine.
Molecular consequence: missense variant. On other transcripts: non-coding transcript variant (1).
Genome position (GRCh38, 1-based): chr4:1,002,003, A>C. VCF-style: chr4-1002003-A-C. GRCh37 (hg19) VCF-style: chr4-995791-A-C.
Other names: c.418A>C, p.Ile140Leu (NM_001363576.1); short protein forms I272L, I140L.
Identifiers: ClinVar variation 350226 (VCV000350226.9), dbSNP rs536381533, ClinGen allele CA2802103.
Genomic context (GRCh38, chr4:1,002,003, plus strand): 5'-GCGCTGACCCTGGTGGTGCTGAGGCGGCCCCGCCCGCAGGGTGCGCGCAGCTCCATCTCC[A>C]TCCTGGAGCAGGAGAAGGTCGTCGCGCAGCAGATCCGGCAGCTCTTCCCCAAGTTCGCGG-3'
Protein context (NP_000194.2, residues 262-282): HRKGARSSIS[Ile272Leu]LEQEKVVAQQ